The following is an entry in ClinVar:

NM_000222.3(KIT):c.840_925+649del

Gene: KIT (KIT proto-oncogene, receptor tyrosine kinase; plus strand). Cytogenetic location: 4q12.
Variant type: Deletion.
Coding change: c.840_925+649del on transcript NM_000222.3 (MANE Select); coding-DNA position 840 through 649 bases into the intron after coding-DNA position 925, 735 bases deleted.
Molecular consequence: splice donor variant.
Genome position (GRCh38, 1-based): chr4:54,703,807-54,704,541, 735 bases deleted. GRCh37 (hg19): chr4:55,569,973-55,570,707.
Other names: c.843_928+649del (NM_001385284.1, NM_001385290.1, NM_001385288.1 and 1 more transcripts); c.840_925+649del (NM_001385285.1, NM_001093772.2, NM_001385286.1).
Identifiers: ClinVar variation 958702 (VCV000958702.1), dbSNP rs1720606396, ClinGen allele CA1139655841.

ClinVar aggregate classification (germline): Likely pathogenic (1 of 4 stars; one submission).

Conditions:
Gastrointestinal stromal tumor. Also called: Gastrointestinal stromal tumor, somatic; Gastrointestinal stroma tumor. Identifiers: Orphanet 44890, MedGen C0238198, MeSH D046152, MONDO:0011719, OMIM 606764, HP:0100723.

Submission:

Labcorp Genetics (formerly Invitae), Labcorp
Classification: Likely pathogenic for Gastrointestinal stromal tumor. Last evaluated: 2019-08-05. Review status: criteria provided, single submitter. Criteria: Invitae Variant Classification Sherloc (09022015). Collection method: clinical testing. Allele origin: germline.
Comment: This variant is a deletion of the genomic region encompassing part of exon 5 (c.840_925+649del) of the KIT gene. It is expected to disrupt RNA splicing and likely results in an absent or disrupted protein product. This variant has not been reported in the literature in individuals with KIT-related conditions. Loss-of-function variants in KIT are known to be pathogenic (PMID: 15194144). In summary, the currently available evidence indicates that the variant is pathogenic, but additional data are needed to prove that conclusively. Therefore, this variant has been classified as Likely Pathogenic.